The following is an entry in ClinVar:

ClinVar aggregate classification (germline): Uncertain significance (1 of 4 stars; one submission).

Submission:

GeneDx
Classification: Uncertain significance. Last evaluated: 2023-07-20. Review status: criteria provided, single submitter. Criteria: GeneDx Variant Classification Process June 2021. Collection method: clinical testing. Allele origin: germline. Affected: yes.
Comment: Not observed at significant frequency in large population cohorts (gnomAD); In silico analysis supports a deleterious effect on protein structure/function; Has not been previously published as pathogenic or benign to our knowledge

NM_001042424.3(NSD2):c.2059_2061delinsCGG (p.Cys687Arg)

Gene: NSD2 (nuclear receptor binding SET domain protein 2; plus strand). Cytogenetic location: 4p16.3.
Variant type: Indel.
Coding change: c.2059_2061delinsCGG on transcript NM_001042424.3 (MANE Select); coding-DNA positions 2059 to 2061, TGC replaced by CGG.
Protein change: p.Cys687Arg; replaces cysteine 687 with arginine.
Molecular consequence: missense variant.
Genome position (GRCh38, 1-based): chr4:1,952,153-1,952,155, TGC replaced by CGG. VCF-style: chr4-1952153-TGC-CGG. GRCh37 (hg19) VCF-style: chr4-1953880-TGC-CGG.
Other names: c.2059_2061delinsCGG, p.Cys687Arg (NM_133330.3, NM_133331.3, NM_133335.4); short protein forms C687R.
Identifiers: ClinVar variation 3361334 (VCV003361334.1).